The following is an entry in ClinVar:

ClinVar aggregate classification (germline): Uncertain significance (0 of 4 stars; one submission).

Conditions:
TENM4-related disorder. Also called: TENM4-related condition.

gnomAD v4.1: 26 of 1,613,644 alleles (0.0016%); highest among the groups gnomAD compares: Non-Finnish European, 0.002%; no homozygotes.

Submission:

PreventionGenetics, part of Exact Sciences
Classification: Uncertain significance for TENM4-related condition. Last evaluated: 2024-09-10. Review status: no assertion criteria provided. Collection method: clinical testing. Allele origin: germline.
Comment: The TENM4 c.7372A>C variant is predicted to result in the amino acid substitution p.Ile2458Leu. To our knowledge, this variant has not been reported in the literature. This variant is reported in 0.0023% of alleles in individuals of European (Non-Finnish) descent in gnomAD. At this time, the clinical significance of this variant is uncertain due to the absence of conclusive functional and genetic evidence.

NM_001098816.3(TENM4):c.7372A>C (p.Ile2458Leu)

Gene: TENM4 (teneurin transmembrane protein 4; minus strand). Cytogenetic location: 11q14.1.
Variant type: single nucleotide variant.
Coding change: c.7372A>C on transcript NM_001098816.3 (MANE Select); coding-DNA position 7372, A replaced by C.
Protein change: p.Ile2458Leu; replaces isoleucine 2458 with leucine.
Molecular consequence: missense variant.
Genome position (GRCh38, 1-based): chr11:78,668,973, T>G on the plus strand (A>C on the coding strand, the complement: TENM4 is on the minus strand). VCF-style: chr11-78668973-T-G. GRCh37 (hg19) VCF-style: chr11-78380018-T-G.
Other names: short protein forms I2458L.
Identifiers: ClinVar variation 3351951 (VCV003351951.1).